The following is an entry in ClinVar:

ClinVar aggregate classification (germline): Uncertain significance (1 of 4 stars; one submission).

Conditions:
Malignant hyperthermia, susceptibility to, 1 (MHS1). Also called: RYR1-Related Malignant Hyperthermia Susceptibility; Malignant hyperthermia suceptibility 1; Anesthesia related hyperthermia; Malignant hyperpyrexia; Fulminating hyperpyrexia; Pharmacogenic myopathy. Identifiers: Orphanet 423, MedGen C2930980, MONDO:0007783, OMIM 145600.

Submission:

Color Diagnostics, LLC DBA Color Health
Classification: Uncertain significance for Malignant hyperthermia, susceptibility to, 1. Last evaluated: 2025-07-08. Review status: criteria provided, single submitter. Criteria: ACMG Guidelines, 2015. Collection method: clinical testing. Allele origin: germline.
Comment: This missense variant replaces leucine with phenylalanine at codon 4657 of the RYR1 protein. Computational prediction is inconclusive regarding the impact of this variant on protein structure and function. To our knowledge, functional studies have not been reported for this variant. This variant has not been reported in individuals affected with RYR1-related disorders in the literature. This variant has not been identified in the general population by the Genome Aggregation Database (gnomAD). The available evidence is insufficient to determine the role of this variant in disease conclusively. Therefore, this variant is classified as a Variant of Uncertain Significance.

NM_000540.3(RYR1):c.13969C>T (p.Leu4657Phe)

Gene: RYR1 (ryanodine receptor 1; plus strand). Cytogenetic location: 19q13.2.
Variant type: single nucleotide variant.
Coding change: c.13969C>T on transcript NM_000540.3 (MANE Select); coding-DNA position 13969, C replaced by T.
Protein change: p.Leu4657Phe; replaces leucine 4657 with phenylalanine.
Molecular consequence: missense variant.
Genome position (GRCh38, 1-based): chr19:38,572,241, C>T. VCF-style: chr19-38572241-C-T. GRCh37 (hg19) VCF-style: chr19-39062881-C-T.
Other names: c.13954C>T, p.Leu4652Phe (NM_001042723.2); short protein forms L4652F, L4657F.
Identifiers: ClinVar variation 4758862 (VCV004758862.1).